The following is an entry in ClinVar:

ClinVar aggregate classification (germline): Benign/Likely benign. Review status: criteria provided, multiple submitters, no conflicts (2 of 4 stars). 5 submissions from 5 submitters: Benign (1); Likely benign (4). Last evaluated 2025-06-22.

Conditions:
Hereditary cancer-predisposing syndrome. Also called: Neoplastic Syndromes, Hereditary; Tumor predisposition; Hereditary neoplastic syndrome; Hereditary Cancer Syndrome. Identifiers: Orphanet 140162, MedGen C0027672, MeSH D009386, MONDO:0015356.
Familial cancer of breast. Also called: hereditary breast carcinoma; BREAST CANCER, FAMILIAL; Hereditary breast cancer. Identifiers: Orphanet 227535, MedGen C0346153, MONDO:0016419, OMIM 114480. Disease mechanism: loss of function.

Allele frequency attached by ClinVar (database versions not stated): gnomAD exomes below 0.00001.
gnomAD v4.1: 1 of 1,612,252 alleles (0.000062%); highest among the groups gnomAD compares: Non-Finnish European, 0.000085%; no homozygotes.

Submissions (5):

Labcorp Genetics (formerly Invitae), Labcorp
Classification: Likely benign for Familial cancer of breast. Last evaluated: 2025-06-22. Review status: criteria provided, single submitter. Criteria: Invitae Variant Classification Sherloc (09022015). Collection method: clinical testing. Allele origin: germline.

Myriad Genetics, Inc.
Classification: Benign for Familial cancer of breast. Last evaluated: 2025-01-10. Review status: criteria provided, single submitter. Criteria: Myriad Autosomal Dominant, Autosomal Recessive and X-Linked Classification Criteria (2023). Collection method: clinical testing. Allele origin: unknown.
Comment: This variant is considered benign. This variant is a silent/synonymous amino acid change and it is not expected to impact splicing.

CeGaT Center for Human Genetics Tuebingen
Classification: Likely benign. Last evaluated: 2024-10-01. Review status: criteria provided, single submitter. Criteria: CeGaT Center For Human Genetics Tuebingen Variant Classification Criteria Version 2. Collection method: clinical testing. Allele origin: germline. Affected: yes. Observed: 1 variant allele.
Comment: PALB2: BP4, BP7

Sema4
Classification: Likely benign for Hereditary cancer-predisposing syndrome. Last evaluated: 2021-04-30. Review status: criteria provided, single submitter. Criteria: Sema4 Curation Guidelines. Collection method: curation. Allele origin: germline.

Ambry Genetics
Classification: Likely benign for Hereditary cancer-predisposing syndrome. Last evaluated: 2020-01-27. Review status: criteria provided, single submitter. Criteria: Ambry Variant Classification Scheme 2023. Collection method: clinical testing. Allele origin: germline.

NM_024675.4(PALB2):c.387C>T (p.Pro129=)

Gene: PALB2 (partner and localizer of BRCA2; minus strand). Cytogenetic location: 16p12.2.
Variant type: single nucleotide variant.
Coding change: c.387C>T on transcript NM_024675.4 (MANE Select); coding-DNA position 387, C replaced by T.
Protein change: p.Pro129=; no amino-acid change (proline 129 retained).
Molecular consequence: synonymous variant.
Genome position (GRCh38, 1-based): chr16:23,636,159, G>A on the plus strand (C>T on the coding strand, the complement: PALB2 is on the minus strand). VCF-style: chr16-23636159-G-A. GRCh37 (hg19) VCF-style: chr16-23647480-G-A.
Identifiers: ClinVar variation 1100880 (VCV001100880.27), dbSNP rs1253286227, ClinGen allele CA494462229.
Genomic context (GRCh38, chr16:23,636,159, plus strand): 5'-CTTCTTTCTTCTGCTTGGCAGCTTCTGCTTTTGCTCACCACTAGGGTCACTGACCCTGTG[G>A]GGAAAATGTTCTTGGGTGTCATCTGTTCTTTGTATAGGTAATCCTCCTGGGCCATCTCCA-3'
Protein context (NP_078951.2, residues 119-139): QRTDDTQEHF[Pro129=]HRVSDPSGEQ